The following is an entry in ClinVar:

ClinVar aggregate classification (germline): Uncertain significance. Review status: criteria provided, multiple submitters, no conflicts (2 of 4 stars). 3 submissions from 3 submitters: Uncertain significance (3). Last evaluated 2024-03-06.

Conditions:
Cardiovascular phenotype. Identifiers: MedGen CN230736.
Familial hypercholesterolemia. Also called: Familial hypercholesterolemias; Familial hypercholesterolaemia. Identifiers: MedGen C0020445, MONDO:0005439.
Hypercholesterolemia, autosomal dominant, 3 (FHCL3). Also called: Familial hypercholesterolemia 3; Familial Hypercholesterolemia, Autosomal Dominant, 3; PCSK9-Related Familial Hypercholesterolemia, Autosomal Dominant. Identifiers: MedGen C1863551, MONDO:0011369, OMIM 603776.

Submissions (3):

Color Diagnostics, LLC DBA Color Health
Classification: Uncertain significance for Familial hypercholesterolemia. Last evaluated: 2024-03-06. Review status: criteria provided, single submitter. Criteria: ACMG Guidelines, 2015. Collection method: clinical testing. Allele origin: germline.
Comment: This missense variant replaces arginine with cysteine at codon 66 of the PCSK9 protein. Computational prediction suggests that this variant may not impact protein structure and function (internally defined REVEL score threshold <= 0.5, PMID: 27666373). To our knowledge, functional studies have not been reported for this variant. This variant has not been reported in individuals affected with familial hypercholesterolemia in the literature. This variant has not been identified in the general population by the Genome Aggregation Database (gnomAD). The available evidence is insufficient to determine the role of this variant in disease conclusively. Therefore, this variant is classified as a Variant of Uncertain Significance.

All of Us Research Program, National Institutes of Health
Classification: Uncertain significance for Hypercholesterolemia, autosomal dominant, 3. Last evaluated: 2023-03-28. Review status: criteria provided, single submitter. Criteria: ACMG Guidelines, 2015. Collection method: clinical testing. Allele origin: germline. Inheritance: Autosomal dominant inheritance. Observed: 1 variant allele, 1 heterozygote.
Comment: This missense variant replaces arginine with cysteine at codon 66 of the PCSK9 protein. Computational prediction suggests that this variant may not impact protein structure and function (internally defined REVEL score threshold <= 0.5, PMID: 27666373). Splice site prediction tools suggest that this variant may not impact RNA splicing. To our knowledge, functional studies have not been reported for this variant. This variant has not been reported in individuals affected with familial hypercholesterolemia in the literature. This variant has not been identified in the general population by the Genome Aggregation Database (gnomAD). The available evidence is insufficient to determine the role of this variant in disease conclusively. Therefore, this variant is classified as a Variant of Uncertain Significance.

This study involves interpretation of variants in research participants for the purpose of population health screening. Participant phenotype was not available at the time of variant classification. Additional details can be found in publication PMID: 35346344, PMCID: PMC8962531

Ambry Genetics
Classification: Uncertain significance for Cardiovascular phenotype. Last evaluated: 2022-07-20. Review status: criteria provided, single submitter. Criteria: Ambry Variant Classification Scheme 2023. Collection method: clinical testing. Allele origin: germline.

NM_174936.4(PCSK9):c.196C>T (p.Arg66Cys)

Gene: PCSK9 (proprotein convertase subtilisin/kexin type 9; plus strand). Cytogenetic location: 1p32.3.
Variant type: single nucleotide variant.
Coding change: c.196C>T on transcript NM_174936.4 (MANE Select); coding-DNA position 196, C replaced by T.
Protein change: p.Arg66Cys; replaces arginine 66 with cysteine.
Molecular consequence: missense variant.
Genome position (GRCh38, 1-based): chr1:55,040,033, C>T. VCF-style: chr1-55040033-C-T. GRCh37 (hg19) VCF-style: chr1-55505706-C-T.
Other names: short protein forms R66C.
Identifiers: ClinVar variation 923778 (VCV000923778.8), dbSNP rs1437993187, ClinGen allele CA340483237.